The following is an entry in ClinVar:

NM_001830.4(CLCN4):c.1937T>A (p.Ile646Asn)

Gene: CLCN4 (Cl-/H+ antiporter 4; plus strand). Cytogenetic location: Xp22.2.
Variant type: single nucleotide variant.
Coding change: c.1937T>A on transcript NM_001830.4 (MANE Select); coding-DNA position 1937, T replaced by A.
Protein change: p.Ile646Asn; replaces isoleucine 646 with asparagine.
Molecular consequence: missense variant.
Genome position (GRCh38, 1-based): chrX:10,214,041, T>A. VCF-style: chrX-10214041-T-A. GRCh37 (hg19) VCF-style: chrX-10182081-T-A.
Other names: c.1655T>A, p.Ile552Asn (NM_001256944.2); short protein forms I552N, I646N.
Identifiers: ClinVar variation 4293647 (VCV004293647.1).
Genomic context (GRCh38, chrX:10,214,041, plus strand): 5'-TCAAGGAGACCGACTACAACGGCTTCCCCGTGGTGGTCTCCAGAGACTCCGAGCGCCTCA[T>A]TGGATTTGCCCAGAGGAGGGAACTGATTCTCGCAATAAGTGAGTAAAGAGAGGGAAGCTC-3'
Protein context (NP_001821.2, residues 636-656): VVVSRDSERL[Ile646Asn]GFAQRRELIL

ClinVar aggregate classification (germline): Uncertain significance (1 of 4 stars; one submission).

Conditions:
Intellectual disability, X-linked 49 (MRXSRC). Also called: MRX49; MENTAL RETARDATION, X-LINKED 15; CLCN4-Related Neurodevelopmental Disorder; CLCN4-related X-linked intellectual disability syndrome; RAYNAUD-CLAES SYNDROME. Identifiers: Orphanet 485350, Orphanet 777, MedGen C0796221, MONDO:0010250, OMIM 300114.

Submission:

3billion
Classification: Uncertain significance for Intellectual disability, X-linked 49. Last evaluated: 2024-08-08. Review status: criteria provided, single submitter. Criteria: ACMG Guidelines, 2015. Collection method: clinical testing. Allele origin: germline. Affected: yes.
Comment: The variant is not observed in the gnomAD v4.0.0 dataset. Predicted Consequence/Location: Missense changes are a common disease-causing mechanism. In silico tool predictions suggest damaging effect of the variant on gene or gene product [REVEL: 0.91 (>=0.6, sensitivity 0.68 and specificity 0.92)]. Therefore, this variant is classified as VUS according to the recommendation of ACMG/AMP guideline.